The following is an entry in ClinVar:

ClinVar aggregate classification (germline): Uncertain significance. Review status: criteria provided, multiple submitters, no conflicts (2 of 4 stars). 2 submissions from 2 submitters: Uncertain significance (2). Last evaluated 2026-04-02.

gnomAD v4.1: 3 of 1,594,018 alleles (0.00019%); highest among the groups gnomAD compares: Admixed American, 0.0035%; no homozygotes.

Submissions (2):

GeneDx
Classification: Uncertain significance. Last evaluated: 2026-04-02. Review status: criteria provided, single submitter. Criteria: GeneDx Variant Classification Process June 2021. Collection method: clinical testing. Allele origin: germline.
Comment: In silico analysis supports that this missense variant has a deleterious effect on protein structure/function; Has not been previously published as pathogenic or benign to our knowledge

Ambry Genetics
Classification: Uncertain significance. Last evaluated: 2024-09-11. Review status: criteria provided, single submitter. Criteria: Ambry Variant Classification Scheme 2023. Collection method: clinical testing. Allele origin: germline.

NM_006237.4(POU4F1):c.178G>A (p.Ala60Thr)

Genes: OBI1-AS1 (OBI1 antisense RNA 1; plus strand), POU4F1 (POU class 4 homeobox 1; minus strand). Cytogenetic location: 13q31.1.
Variant type: single nucleotide variant.
Coding change: c.178G>A on transcript NM_006237.4 (MANE Select); coding-DNA position 178, G replaced by A.
Protein change: p.Ala60Thr; replaces alanine 60 with threonine.
Molecular consequence: missense variant.
Genome position (GRCh38, 1-based): chr13:78,602,497, C>T on the plus strand (G>A on the coding strand, the complement: POU4F1 is on the minus strand). VCF-style: chr13-78602497-C-T. GRCh37 (hg19) VCF-style: chr13-79176632-C-T.
Other names: short protein forms A60T.
Identifiers: ClinVar variation 3423245 (VCV003423245.2).